The following is an entry in ClinVar:

ClinVar aggregate classification (germline): Uncertain significance (1 of 4 stars; one submission).

Allele frequency attached by ClinVar (database versions not stated): ExAC 0.00001.
gnomAD v4.1: 6 of 1,614,094 alleles (0.00037%); highest among the groups gnomAD compares: Non-Finnish European, 0.00051%; no homozygotes.

Submission:

GeneDx
Classification: Uncertain significance. Last evaluated: 2022-01-19. Review status: criteria provided, single submitter. Criteria: GeneDx Variant Classification Process June 2021. Collection method: clinical testing. Allele origin: germline. Affected: yes.
Comment: Not observed at significant frequency in large population cohorts (gnomAD); In silico analysis supports that this missense variant does not alter protein structure/function; Has not been previously published as pathogenic or benign to our knowledge

NM_001349206.2(LPIN1):c.1600G>T (p.Ala534Ser)

Gene: LPIN1 (lipin 1; plus strand). Cytogenetic location: 2p25.1.
Variant type: single nucleotide variant.
Coding change: c.1600G>T on transcript NM_001349206.2 (MANE Select); coding-DNA position 1600, G replaced by T.
Protein change: p.Ala534Ser; replaces alanine 534 with serine.
Molecular consequence: missense variant. On other transcripts: non-coding transcript variant (1).
Genome position (GRCh38, 1-based): chr2:11,787,124, G>T. VCF-style: chr2-11787124-G-T. GRCh37 (hg19) VCF-style: chr2-11927250-G-T.
Other names: c.1510G>T, p.Ala504Ser (NM_001261427.3); c.1747G>T, p.Ala583Ser (NM_001261428.3); c.1492G>T, p.Ala498Ser (NM_001349199.2, NM_001349200.2, NM_001349201.2 and 1 more transcripts); c.1597G>T, p.Ala533Ser (NM_001349202.2, NM_001349203.2); c.1600G>T, p.Ala534Ser (NM_001349204.2, NM_001349205.2); c.1690G>T, p.Ala564Ser (NM_001349207.2); c.1639G>T, p.Ala547Ser (NM_001349208.2); short protein forms A498S, A504S, A533S, A534S, A547S, A564S, A583S.
Identifiers: ClinVar variation 1698250 (VCV001698250.2), dbSNP rs746711531, ClinGen allele CA1533762.